The following is an entry in ClinVar:

ClinVar aggregate classification (germline): Uncertain significance. Review status: criteria provided, multiple submitters, no conflicts (2 of 4 stars). 2 submissions from 2 submitters: Uncertain significance (2). Last evaluated 2025-03-18.

Conditions:
Hypotonia, infantile, with psychomotor retardation and characteristic facies 2 (IHPRF2). Also called: UNC80 Deficiency. Identifiers: Orphanet 371364, Orphanet 700333, MedGen C4225203, MONDO:0014777, OMIM 616801.

Allele frequency attached by ClinVar (database versions not stated): gnomAD exomes below 0.00001 and 0.00001.
gnomAD v4.1: 4 of 1,551,770 alleles (0.00026%); highest among the groups gnomAD compares: Admixed American, 0.0039%; no homozygotes.

Submissions (2):

GeneDx
Classification: Uncertain significance. Last evaluated: 2025-03-18. Review status: criteria provided, single submitter. Criteria: GeneDx Variant Classification Process June 2021. Collection method: clinical testing. Allele origin: germline. Affected: yes.
Comment: Not observed at significant frequency in large population cohorts (gnomAD); In silico analysis indicates that this missense variant does not alter protein structure/function; Has not been previously published as pathogenic or benign to our knowledge

Baylor Genetics
Classification: Uncertain significance for Hypotonia, infantile, with psychomotor retardation and characteristic facies 2. Last evaluated: 2018-02-09. Review status: criteria provided, single submitter. Criteria: ACMG Guidelines, 2015. Collection method: clinical testing. Allele origin: unknown. Affected: yes.
Comment: This variant was determined to be of uncertain significance according to ACMG Guidelines, 2015 [PMID:25741868].

NM_001371986.1(UNC80):c.8326A>T (p.Met2776Leu)

Gene: UNC80 (unc-80 subunit of NALCN channel complex; plus strand). Cytogenetic location: 2q34.
Variant type: single nucleotide variant.
Coding change: c.8326A>T on transcript NM_001371986.1 (MANE Select); coding-DNA position 8326, A replaced by T.
Protein change: p.Met2776Leu; replaces methionine 2776 with leucine.
Molecular consequence: missense variant.
Genome position (GRCh38, 1-based): chr2:209,972,270, A>T. VCF-style: chr2-209972270-A-T. GRCh37 (hg19) VCF-style: chr2-210836994-A-T.
Other names: c.8128A>T, p.Met2710Leu (NM_032504.2); c.8113A>T, p.Met2705Leu (NM_182587.4); short protein forms M2710L, M2705L, M2776L.
Identifiers: ClinVar variation 1032290 (VCV001032290.2), dbSNP rs1341303938, ClinGen allele CA350412967.